The following is an entry in ClinVar:

ClinVar aggregate classification (germline): Likely benign. Review status: criteria provided, single submitter (1 of 4 stars). 2 submissions from 2 submitters: Likely benign (1). 1 of the submissions does not count toward it. Last evaluated 2024-11-26.

Conditions:
BMS1-related disorder. Also called: BMS1-related condition.

Allele frequency attached by ClinVar (database versions not stated): 1000 Genomes Project 0.00020; 1000 Genomes Project 30x 0.00031; ESP Exome Variant Server 0.00115.

Submissions (2):

Blueprint Genetics
Classification: Likely benign. Last evaluated: 2024-11-26. Review status: criteria provided, single submitter. Criteria: ACMG Guidelines, 2015. Collection method: clinical testing. Allele origin: germline.

PreventionGenetics, part of Exact Sciences
Classification: Likely benign for BMS1-related condition. Last evaluated: 2019-10-31. Review status: no assertion criteria provided. Collection method: clinical testing. Allele origin: germline. Not counted in ClinVar's aggregate classification.
Comment: This variant is classified as likely benign based on ACMG/AMP sequence variant interpretation guidelines (Richards et al. 2015 PMID: 25741868, with internal and published modifications).

NM_014753.4(BMS1):c.2341G>T (p.Gly781Cys)

Gene: BMS1 (BMS1 ribosome biogenesis factor; plus strand). Cytogenetic location: 10q11.21.
Variant type: single nucleotide variant.
Coding change: c.2341G>T on transcript NM_014753.4 (MANE Select); coding-DNA position 2341, G replaced by T.
Protein change: p.Gly781Cys; replaces glycine 781 with cysteine.
Molecular consequence: missense variant.
Genome position (GRCh38, 1-based): chr10:42,816,610, G>T. VCF-style: chr10-42816610-G-T. GRCh37 (hg19) VCF-style: chr10-43312058-G-T.
Other names: short protein forms G781C.
Identifiers: ClinVar variation 3038412 (VCV003038412.3), dbSNP rs141419423, ClinGen allele CA5475989.